The following is an entry in ClinVar:

NM_015450.3(POT1):c.239G>T (p.Arg80Leu)

Gene: POT1 (protection of telomeres 1; minus strand). Cytogenetic location: 7q31.33.
Variant type: single nucleotide variant.
Coding change: c.239G>T on transcript NM_015450.3 (MANE Select); coding-DNA position 239, G replaced by T.
Protein change: p.Arg80Leu; replaces arginine 80 with leucine.
Molecular consequence: missense variant. On other transcripts: non-coding transcript variant (3), intron variant (1).
Genome position (GRCh38, 1-based): chr7:124,870,927, C>A on the plus strand (G>T on the coding strand, the complement: POT1 is on the minus strand). VCF-style: chr7-124870927-C-A. GRCh37 (hg19) VCF-style: chr7-124510981-C-A.
Other names: c.-138-7287G>T (NM_001042594.2); short protein forms R80L.
Identifiers: ClinVar variation 3719599 (VCV003719599.2).
Genomic context (GRCh38, chr7:124,870,927, plus strand): 5'-GTTCTCTTCAAATAAATATAAGTTCTAGACAATATGAATTATACCTTCAGCCTGTGAAAG[C>A]GAACAATATCTCCATTTTTATAAATTATTGGAAGGGCTTCATAGTTTCCACTAAAGAGCA-3'
Protein context (NP_056265.2, residues 70-90): PIIYKNGDIV[Arg80Leu]FHRLKIQVYK

ClinVar aggregate classification (germline): Uncertain significance (1 of 4 stars; one submission).

Conditions:
Tumor predisposition syndrome 3 (TPDS3). Also called: Glioma susceptibility 9; LONG TELOMERE SYNDROME, POT1-RELATED; POT1 Tumor Predisposition; Melanoma, cutaneous malignant, susceptibility to, 10. Identifiers: Orphanet 618, MedGen C4014476, MONDO:0014368, OMIM 615848.

Submission:

Labcorp Genetics (formerly Invitae), Labcorp
Classification: Uncertain significance for Tumor predisposition syndrome 3. Last evaluated: 2024-10-12. Review status: criteria provided, single submitter. Criteria: Invitae Variant Classification Sherloc (09022015). Collection method: clinical testing. Allele origin: germline.
Comment: This sequence change replaces arginine, which is basic and polar, with leucine, which is neutral and non-polar, at codon 80 of the POT1 protein (p.Arg80Leu). This variant is not present in population databases (gnomAD no frequency). This variant has not been reported in the literature in individuals affected with POT1-related conditions. Invitae Evidence Modeling of protein sequence and biophysical properties (such as structural, functional, and spatial information, amino acid conservation, physicochemical variation, residue mobility, and thermodynamic stability) indicates that this missense variant is not expected to disrupt POT1 protein function with a negative predictive value of 80%. Algorithms developed to predict the effect of sequence changes on RNA splicing suggest that this variant may disrupt the consensus splice site. In summary, the available evidence is currently insufficient to determine the role of this variant in disease. Therefore, it has been classified as a Variant of Uncertain Significance.